The following is an entry in ClinVar:

ClinVar aggregate classification (germline): Benign (0 of 4 stars; one submission).

Conditions:
ITIH4-related disorder. Also called: ITIH4-related condition.

Allele frequency attached by ClinVar (database versions not stated): ESP Exome Variant Server 0.25031; 1000 Genomes Project 0.25779; 1000 Genomes Project 30x 0.26109; TOPMed 0.27922; ExAC 0.31872.
gnomAD v4.1: 423,137 of 1,601,242 alleles (26%); highest among the groups gnomAD compares: Admixed American, 45%; 58,684 homozygotes.

Submission:

PreventionGenetics, part of Exact Sciences
Classification: Benign for ITIH4-related condition. Last evaluated: 2019-10-18. Review status: no assertion criteria provided. Collection method: clinical testing. Allele origin: germline.
Comment: This variant is classified as benign based on ACMG/AMP sequence variant interpretation guidelines (Richards et al. 2015 PMID: 25741868, with internal and published modifications).

NM_002218.5(ITIH4):c.2092C>A (p.Pro698Thr)

Gene: ITIH4 (inter-alpha-trypsin inhibitor heavy chain 4; minus strand). Cytogenetic location: 3p21.1.
Variant type: single nucleotide variant.
Coding change: c.2092C>A on transcript NM_002218.5 (MANE Select); coding-DNA position 2092, C replaced by A.
Protein change: p.Pro698Thr; replaces proline 698 with threonine.
Molecular consequence: missense variant.
Genome position (GRCh38, 1-based): chr3:52,818,522, G>T on the plus strand (C>A on the coding strand, the complement: ITIH4 is on the minus strand). VCF-style: chr3-52818522-G-T. GRCh37 (hg19) VCF-style: chr3-52852538-G-T.
Other names: c.2002C>A, p.Pro668Thr (NM_001166449.2); short protein forms P668T, P698T.
Identifiers: ClinVar variation 3059528 (VCV003059528.2), dbSNP rs4687657, ClinGen allele CA2449103.